The following is an entry in ClinVar:

NM_000142.5(FGFR3):c.662C>T (p.Ser221Leu)

Gene: FGFR3 (fibroblast growth factor receptor 3; plus strand). Cytogenetic location: 4p16.3.
Variant type: single nucleotide variant.
Coding change: c.662C>T on transcript NM_000142.5 (MANE Select); coding-DNA position 662, C replaced by T.
Protein change: p.Ser221Leu; replaces serine 221 with leucine.
Molecular consequence: missense variant. On other transcripts: non-coding transcript variant (1).
Genome position (GRCh38, 1-based): chr4:1,801,666, C>T. VCF-style: chr4-1801666-C-T. GRCh37 (hg19) VCF-style: chr4-1803393-C-T.
Other names: c.662C>T, p.Ser221Leu (NM_001163213.2, NM_001354809.2, NM_001354810.2 and 1 more transcripts); short protein forms S221L.
Identifiers: ClinVar variation 3683203 (VCV003683203.4).
Genomic context (GRCh38, chr4:1,801,666, plus strand): 5'-GCGTCCCGGTGCAGCTGCGGCATCAGCAGTGGAGCCTGGTCATGGAAAGCGTGGTGCCCT[C>T]GGACCGCGGCAACTACACCTGCGTCGTGGAGAACAAGTTTGGCAGCATCCGGCAGACGTA-3'
Protein context (NP_000133.1, residues 211-231): WSLVMESVVP[Ser221Leu]DRGNYTCVVE

ClinVar aggregate classification (germline): Uncertain significance. Review status: criteria provided, multiple submitters, no conflicts (2 of 4 stars). 3 submissions from 3 submitters: Uncertain significance (3). Last evaluated 2026-06-03.

Submissions (3):

Women's Health and Genetics/Laboratory Corporation of America, LabCorp
Classification: Uncertain significance. Last evaluated: 2026-06-03. Review status: criteria provided, single submitter. Criteria: LabCorp Variant Classification Summary - May 2015. Collection method: clinical testing. Allele origin: germline.
Comment: Variant summary: FGFR3 c.662C>T (p.Ser221Leu) results in a non-conservative amino acid change in the encoded protein sequence. Algorithms developed to predict the effect of missense changes on protein structure and function are either unavailable or do not agree on the potential impact of this missense change. The variant allele was found at a frequency of 8.2e-06 in 243544 control chromosomes. The available data on variant occurrences in the general population are insufficient to allow any conclusion about variant significance. To our knowledge, no occurrence of c.662C>T in individuals affected with FGFR3-related conditions and no experimental evidence demonstrating its impact on protein function have been reported. ClinVar contains an entry for this variant (Variation ID: 3683203). Based on the evidence outlined above, the variant was classified as uncertain significance.

Labcorp Genetics (formerly Invitae), Labcorp
Classification: Uncertain significance. Last evaluated: 2024-11-14. Review status: criteria provided, single submitter. Criteria: Invitae Variant Classification Sherloc (09022015). Collection method: clinical testing. Allele origin: germline.
Comment: This sequence change replaces serine, which is neutral and polar, with leucine, which is neutral and non-polar, at codon 221 of the FGFR3 protein (p.Ser221Leu). The frequency data for this variant in the population databases is considered unreliable, as metrics indicate poor data quality at this position in the gnomAD database. This variant has not been reported in the literature in individuals affected with FGFR3-related conditions. Invitae Evidence Modeling of protein sequence and biophysical properties (such as structural, functional, and spatial information, amino acid conservation, physicochemical variation, residue mobility, and thermodynamic stability) has been performed for this missense variant. However, the output from this modeling did not meet the statistical confidence thresholds required to predict the impact of this variant on FGFR3 protein function. In summary, the available evidence is currently insufficient to determine the role of this variant in disease. Therefore, it has been classified as a Variant of Uncertain Significance.

GeneDx
Classification: Uncertain significance. Last evaluated: 2024-09-05. Review status: criteria provided, single submitter. Criteria: GeneDx Variant Classification Process June 2021. Collection method: clinical testing. Allele origin: germline. Affected: yes.
Comment: Not observed at significant frequency in large population cohorts (gnomAD); In silico analysis supports that this missense variant has a deleterious effect on protein structure/function; Has not been previously published as pathogenic or benign to our knowledge